The following is an entry in ClinVar:

ClinVar aggregate classification (germline): Pathogenic/Likely pathogenic. Review status: criteria provided, multiple submitters, no conflicts (2 of 4 stars). 4 submissions from 4 submitters: Pathogenic (1); Likely pathogenic (2). 1 of the submissions does not count toward it. Last evaluated 2024-04-16.

Conditions:
Sialuria. Also called: SIALURIA, FRENCH TYPE; Sialic Acid Storage Disease. Identifiers: Orphanet 3166, MedGen C0342853, MONDO:0010028, OMIM 269921.
GNE myopathy (NM). Also called: IBM 2; Inclusion body myopathy autosomal recessive; Inclusion body myopathy quadriceps sparing; NONAKA DISTAL MYOPATHY; INCLUSION BODY MYOPATHY, HEREDITARY, AUTOSOMAL RECESSIVE; INCLUSION BODY MYOPATHY 2, AUTOSOMAL RECESSIVE. Identifiers: Orphanet 602, MedGen C1853926, MONDO:0011603, OMIM 605820.

Submissions (4):

Natera, Inc.
Classification: Likely pathogenic for Nonaka myopathy. Last evaluated: 2024-04-16. Review status: criteria provided, single submitter. Criteria: Natera Variant Classification Schema (03/2026). Collection method: clinical testing. Allele origin: germline.
Comment: The c.481delA variant in GNE is a frameshift variant predicted to shift the reading frame beginning at codon 161 and leads to a stop codon 21 codons downstream. This variant is expected to result in nonsense mediated decay, truncation, or a dysfunctional protein product. This variant is rare in the general population with a frequency below the threshold expected for the associated phenotype(s). Given the available evidence, this variant is classified as Likely Pathogenic.

Baylor Genetics
Classification: Likely pathogenic for GNE myopathy. Last evaluated: 2024-02-19. Review status: criteria provided, single submitter. Criteria: ACMG Guidelines, 2015. Collection method: clinical testing. Allele origin: unknown.

Labcorp Genetics (formerly Invitae), Labcorp
Classification: Pathogenic for Sialuria; GNE myopathy. Last evaluated: 2022-08-05. Review status: criteria provided, single submitter. Criteria: Invitae Variant Classification Sherloc (09022015). Collection method: clinical testing. Allele origin: germline.
Comment: This variant has not been reported in the literature in individuals affected with GNE-related conditions. This variant is present in population databases (no rsID available, gnomAD 0.003%). This sequence change creates a premature translational stop signal (p.Ile161Serfs*21) in the GNE gene. It is expected to result in an absent or disrupted protein product. Loss-of-function variants in GNE are known to be pathogenic (PMID: 24027297). ClinVar contains an entry for this variant (Variation ID: 552473). For these reasons, this variant has been classified as Pathogenic.

Counsyl
Classification: Likely pathogenic for GNE myopathy. Last evaluated: 2017-06-12. Review status: no assertion criteria provided. Collection method: clinical testing. Allele origin: unknown. Not counted in ClinVar's aggregate classification.

Literature cited by the submitters: PubMed 24027297 (cited by Labcorp Genetics (formerly Invitae), Labcorp).

NM_005476.7(GNE):c.388del (p.Ile130fs)

Gene: GNE (glucosamine (UDP-N-acetyl)-2-epimerase/N-acetylmannosamine kinase; minus strand). Cytogenetic location: 9p13.3.
Variant type: Deletion.
Coding change: c.388del on transcript NM_005476.7 (MANE Select); coding-DNA position 388, one base deleted (A; older notation c.388delA).
Protein change: p.Ile130fs; shifts the reading frame from isoleucine 130.
Molecular consequence: frameshift variant.
Genome position (GRCh38, 1-based): chr9:36,246,259, T deleted on the plus strand (A on the coding strand, the reverse complement: GNE is on the minus strand); the first of 2 consecutive T bases (chr9:36,246,259-36,246,260); deleting either gives the same sequence. VCF-style (leftmost placement, unchanged base first): chr9-36246258-AT-A. GRCh37 (hg19) VCF-style: chr9-36246255-AT-A.
Other names: c.481del, p.Ile161fs (NM_001128227.3); c.388del, p.Ile130fs (NM_001190383.3, NM_001374797.1); c.211del, p.Ile71fs (NM_001190384.3, NM_001190388.2, NM_001374798.1); c.481delA (NM_001128227.2); c.481del (NM_001128227.2); short protein forms I161fs, I130fs, I71fs.
Identifiers: ClinVar variation 552473 (VCV000552473.8), dbSNP rs1423445315, ClinGen allele CA588147229.